The following is an entry in ClinVar:

ClinVar aggregate classification (germline): Benign/Likely benign. Review status: criteria provided, multiple submitters, no conflicts (2 of 4 stars). 9 submissions from 9 submitters: Benign (3); Likely benign (3). 3 of the submissions do not count toward it. Last evaluated 2026-01-19.

Conditions:
Cone-rod dystrophy and hearing loss 1 (CRDHL1). Identifiers: MedGen C5193018, MONDO:0020778, OMIM 617236.
CEP78-related disorder. Also called: CEP78-related condition.

Allele frequency attached by ClinVar (database versions not stated): 1000 Genomes Project 30x 0.00062; 1000 Genomes Project 0.00080; TOPMed 0.00241; gnomAD 0.00272 and 0.00281; ESP Exome Variant Server 0.00319; gnomAD exomes 0.00328 and 0.00405; ExAC 0.00404.
gnomAD v4.1: 6,300 of 1,612,286 alleles (0.39%); highest among the groups gnomAD compares: Non-Finnish European, 0.49%; 16 homozygotes.

Submissions (9):

Labcorp Genetics (formerly Invitae), Labcorp
Classification: Benign. Last evaluated: 2026-01-19. Review status: criteria provided, single submitter. Criteria: Invitae Variant Classification Sherloc (09022015). Collection method: clinical testing. Allele origin: germline.

CeGaT Center for Human Genetics Tuebingen
Classification: Likely benign. Last evaluated: 2025-12-01. Review status: criteria provided, single submitter. Criteria: CeGaT Center For Human Genetics Tuebingen Variant Classification Criteria Version 2. Collection method: clinical testing. Allele origin: germline. Affected: yes. Observed: 7 variant alleles.
Comment: CEP78: BP4, BP7, BS2

Blueprint Genetics
Classification: Likely benign. Last evaluated: 2024-11-19. Review status: criteria provided, single submitter. Criteria: ACMG Guidelines, 2015. Collection method: clinical testing. Allele origin: germline.

Fulgent Genetics
Classification: Likely benign for Cone-rod dystrophy and hearing loss 1. Last evaluated: 2021-10-27. Review status: criteria provided, single submitter. Criteria: ACMG Guidelines, 2015. Collection method: clinical testing. Allele origin: unknown.

Laboratory for Molecular Medicine, Mass General Brigham Personalized Medicine
Classification: Benign. Last evaluated: 2017-08-23. Review status: criteria provided, single submitter. Criteria: LMM Criteria. Collection method: clinical testing. Allele origin: germline. Observed: 3 variant alleles.
Comment: p.Gly523Gly in exon 13 of CEP78: This variant is not expected to have clinical s ignificance because it does not alter an amino acid residue, is not located with in the splice consensus sequence, and has been identified in 0.66% (439/66362) o f European chromosomes by the Exome Aggregation Consortium (ExAC; dbSNP rs199743218).

Breakthrough Genomics
Classification: Benign. Review status: criteria provided, single submitter. Criteria: ACMG Guidelines, 2015. Collection method: not provided. Allele origin: germline. Inheritance: Autosomal recessive inheritance. Affected: yes.

PreventionGenetics, part of Exact Sciences
Classification: Likely benign for CEP78-related condition. Last evaluated: 2019-07-04. Review status: no assertion criteria provided. Collection method: clinical testing. Allele origin: germline. Not counted in ClinVar's aggregate classification.
Comment: This variant is classified as likely benign based on ACMG/AMP sequence variant interpretation guidelines (Richards et al. 2015 PMID: 25741868, with internal and published modifications).

Clinical Genetics DNA and cytogenetics Diagnostics Lab, Erasmus MC, Erasmus Medical Center
Classification: Likely benign. Review status: no assertion criteria provided. Collection method: clinical testing. Allele origin: germline. Affected: yes. Study: VKGL Data-share Consensus. Not counted in ClinVar's aggregate classification.

Clinical Genetics, Academic Medical Center
Classification: Benign. Review status: no assertion criteria provided. Collection method: clinical testing. Allele origin: germline. Affected: yes. Study: VKGL Data-share Consensus. Not counted in ClinVar's aggregate classification.

NM_001330691.3(CEP78):c.1566C>T (p.Gly522=)

Gene: CEP78 (centrosomal protein 78; plus strand). Cytogenetic location: 9q21.2.
Variant type: single nucleotide variant.
Coding change: c.1566C>T on transcript NM_001330691.3 (MANE Select); coding-DNA position 1566, C replaced by T.
Protein change: p.Gly522=; no amino-acid change (glycine 522 retained).
Molecular consequence: synonymous variant.
Genome position (GRCh38, 1-based): chr9:78,264,257, C>T. VCF-style: chr9-78264257-C-T. GRCh37 (hg19) VCF-style: chr9-80879173-C-T.
Other names: c.1569C>T, p.Gly523= (NM_001098802.3, NM_001349839.2, NM_001349840.2 and 1 more transcripts); c.1566C>T, p.Gly522= (NM_001330693.3, NM_001330694.2, NM_001349838.2).
Identifiers: ClinVar variation 667039 (VCV000667039.44), dbSNP rs199743218, ClinGen allele CA5095289.